The following is an entry in ClinVar:

ClinVar aggregate classification (germline): Uncertain significance (1 of 4 stars; one submission).

Submission:

Labcorp Genetics (formerly Invitae), Labcorp
Classification: Uncertain significance. Last evaluated: 2025-04-14. Review status: criteria provided, single submitter. Criteria: Invitae Variant Classification Sherloc (09022015). Collection method: clinical testing. Allele origin: germline.
Comment: This sequence change replaces glycine, which is neutral and non-polar, with alanine, which is neutral and non-polar, at codon 501 of the POLD2 protein (p.Gly501Ala). This variant is not present in population databases (gnomAD no frequency). This variant has not been reported in the literature in individuals affected with POLD2-related conditions. ClinVar contains an entry for this variant (Variation ID: 2820820). Experimental studies and prediction algorithms are not available or were not evaluated, and the functional significance of this variant is currently unknown. In summary, the available evidence is currently insufficient to determine the role of this variant in disease. Therefore, it has been classified as a Variant of Uncertain Significance.

NM_006230.4(POLD2):c.1397G>C (p.Gly466Ala)

Gene: POLD2 (DNA polymerase delta 2, accessory subunit; minus strand). Cytogenetic location: 7p13.
Variant type: single nucleotide variant.
Coding change: c.1397G>C on transcript NM_006230.4 (MANE Select); coding-DNA position 1397, G replaced by C.
Protein change: p.Gly466Ala; replaces glycine 466 with alanine.
Molecular consequence: missense variant.
Genome position (GRCh38, 1-based): chr7:44,114,798, C>G on the plus strand (G>C on the coding strand, the complement: POLD2 is on the minus strand). VCF-style: chr7-44114798-C-G. GRCh37 (hg19) VCF-style: chr7-44154397-C-G.
Other names: c.1397G>C, p.Gly466Ala (NM_001127218.3, NM_001256879.2); short protein forms G466A.
Identifiers: ClinVar variation 2820820 (VCV002820820.3), dbSNP rs774269295, ClinGen allele CA367378231.